The following is an entry in ClinVar:

ClinVar aggregate classification (germline): Uncertain significance. Review status: criteria provided, multiple submitters, no conflicts (2 of 4 stars). 2 submissions from 2 submitters: Uncertain significance (2). Last evaluated 2020-10-30.

Conditions:
Hereditary cancer-predisposing syndrome. Also called: Neoplastic Syndromes, Hereditary; Tumor predisposition; Hereditary Cancer Syndrome; Hereditary neoplastic syndrome. Identifiers: Orphanet 140162, MedGen C0027672, MeSH D009386, MONDO:0015356.
Ataxia-telangiectasia syndrome (AT). Also called: Ataxia telangiectasia (A-T); ATAXIA-TELANGIECTASIA, COMPLEMENTATION GROUP A; ATAXIA-TELANGIECTASIA, FRESNO VARIANT; Ataxia-telangiectasia; Ataxia-telangiectasia, complementation group E; LOUIS-BAR SYNDROME. Identifiers: Orphanet 100, MedGen C0004135, MONDO:0008840, OMIM 208900.

Submissions (2):

Ambry Genetics
Classification: Uncertain significance for Hereditary cancer-predisposing syndrome. Last evaluated: 2020-10-30. Review status: criteria provided, single submitter. Criteria: Ambry Variant Classification Scheme 2023. Collection method: clinical testing. Allele origin: germline.
Comment: The p.E2164A variant (also known as c.6491A>C), located in coding exon 44 of the ATM gene, results from an A to C substitution at nucleotide position 6491. The glutamic acid at codon 2164 is replaced by alanine, an amino acid with dissimilar properties. This alteration was identified with another missense variant, c.6115G>A (p.E2039K), in an individual with a clinical diagnosis of ataxia telangiectasia (Jacquemin V et al. Eur J Hum Genet, 2012 Mar;20:305-12). This amino acid position is highly conserved in available vertebrate species. In addition, this alteration is predicted to be deleterious by in silico analysis. Since supporting evidence is limited at this time, the clinical significance of this alteration remains unclear.

Labcorp Genetics (formerly Invitae), Labcorp
Classification: Uncertain significance for Ataxia-telangiectasia syndrome. Last evaluated: 2020-02-11. Review status: criteria provided, single submitter. Criteria: Invitae Variant Classification Sherloc (09022015). Collection method: clinical testing. Allele origin: germline.
Comment: This variant is not present in population databases (ExAC no frequency). This sequence change replaces glutamic acid with alanine at codon 2164 of the ATM protein (p.Glu2164Ala). The glutamic acid residue is highly conserved and there is a moderate physicochemical difference between glutamic acid and alanine. This variant has been observed in individual(s) with clinical features of ataxia telangiectasia (PMID: 22071889). In summary, the available evidence is currently insufficient to determine the role of this variant in disease. Therefore, it has been classified as a Variant of Uncertain Significance. This variant has been reported to affect ATM protein function (PMID: 22071889).

Literature cited by the submitters: PubMed 22071889 (cited by Ambry Genetics and Labcorp Genetics (formerly Invitae), Labcorp).

NM_000051.4(ATM):c.6491A>C (p.Glu2164Ala)

Genes: ATM (ATM serine/threonine kinase; plus strand), C11orf65 (chromosome 11 open reading frame 65; minus strand). Cytogenetic location: 11q22.3.
Variant type: single nucleotide variant.
Coding change: c.6491A>C on transcript NM_000051.4 (MANE Select); coding-DNA position 6491, A replaced by C.
Protein change: p.Glu2164Ala; replaces glutamic acid 2164 with alanine.
Molecular consequence: missense variant. On other transcripts: intron variant (2).
Genome position (GRCh38, 1-based): chr11:108,321,339, A>C. VCF-style: chr11-108321339-A-C. GRCh37 (hg19) VCF-style: chr11-108192066-A-C.
Other names: c.6491A>C, p.Glu2164Ala (NM_001351834.2); c.641-12268T>G (NM_001330368.2); c.*39-12268T>G (NM_001351110.2); short protein forms E2164A.
Identifiers: ClinVar variation 1018086 (VCV001018086.11), dbSNP rs1591107186, ClinGen allele CA382554018.
Genomic context (GRCh38, chr11:108,321,339, plus strand): 5'-GTCTTTTCTTTTTTGCTACTAGAGTAAAAGAAGTGGAAGAGATGTGTAAGCGCAGCCTTG[A>C]GTCTGTGTATTCGCTCTATCCCACACTTAGCAGGTTGCAGGCCATTGGAGAGCTGGAAAG-3'
Protein context (NP_000042.3, residues 2154-2174): EVEEMCKRSL[Glu2164Ala]SVYSLYPTLS